The following is an entry in ClinVar:

ClinVar aggregate classification (germline): Conflicting classifications of pathogenicity. Review status: criteria provided, conflicting classifications (1 of 4 stars). 2 submissions from 2 submitters: Likely pathogenic (1); Uncertain significance (1). Last evaluated 2024-12-09.

Conditions:
C1Q deficiency 2. Identifiers: MedGen C5830422, MONDO:0958187, OMIM 620321.

Submissions (2):

Labcorp Genetics (formerly Invitae), Labcorp
Classification: Uncertain significance. Last evaluated: 2024-12-09. Review status: criteria provided, single submitter. Criteria: Invitae Variant Classification Sherloc (09022015). Collection method: clinical testing. Allele origin: germline.
Comment: This sequence change creates a premature translational stop signal (p.Thr46Aspfs*28) in the C1QB gene. While this is not anticipated to result in nonsense mediated decay, it is expected to disrupt the last 208 amino acid(s) of the C1QB protein. This variant is not present in population databases (gnomAD no frequency). This variant has not been reported in the literature in individuals affected with C1QB-related conditions. ClinVar contains an entry for this variant (Variation ID: 1483546). Experimental studies and prediction algorithms are not available or were not evaluated, and the functional significance of this variant is currently unknown. In summary, the available evidence is currently insufficient to determine the role of this variant in disease. Therefore, it has been classified as a Variant of Uncertain Significance.

Fulgent Genetics
Classification: Likely pathogenic for C1Q deficiency 2. Last evaluated: 2024-03-13. Review status: criteria provided, single submitter. Criteria: ACMG Guidelines, 2015. Collection method: clinical testing. Allele origin: germline.

NM_001378156.1(C1QB):c.129dup (p.Thr44fs)

Gene: C1QB (complement C1q B chain; plus strand). Cytogenetic location: 1p36.12.
Variant type: Duplication.
Coding change: c.129dup on transcript NM_001378156.1 (MANE Select); coding-DNA position 129, one base duplicated (G; older notation c.129dupG).
Protein change: p.Thr44fs; shifts the reading frame from threonine 44.
Molecular consequence: frameshift variant.
Genome position (GRCh38, 1-based): chr1:22,659,591, G duplicated; the last of 3 consecutive G bases (chr1:22,659,589-22,659,591); duplicating any one gives the same sequence. VCF-style (leftmost placement, unchanged base first): chr1-22659588-T-TG. GRCh37 (hg19) VCF-style: chr1-22986081-T-TG.
Other names: c.135dup (NM_000491.4); c.135dup, p.Thr46fs (NM_000491.5); c.129dup, p.Thr44fs (NM_001371184.3); short protein forms T44fs, T46fs.
Identifiers: ClinVar variation 1483546 (VCV001483546.6), dbSNP rs945618655, ClinGen allele CA19186786.